The following is an entry in ClinVar:

ClinVar aggregate classification (germline): Uncertain significance (1 of 4 stars; one submission).

Submission:

Labcorp Genetics (formerly Invitae), Labcorp
Classification: Uncertain significance. Last evaluated: 2022-01-11. Review status: criteria provided, single submitter. Criteria: Invitae Variant Classification Sherloc (09022015). Collection method: clinical testing. Allele origin: germline.
Comment: This sequence change replaces isoleucine, which is neutral and non-polar, with valine, which is neutral and non-polar, at codon 150 of the ERCC6 protein (p.Ile150Val). This variant is not present in population databases (gnomAD no frequency). This variant has not been reported in the literature in individuals affected with ERCC6-related conditions. Algorithms developed to predict the effect of missense changes on protein structure and function are either unavailable or do not agree on the potential impact of this missense change (SIFT: "Deleterious"; PolyPhen-2: "Benign"; Align-GVGD: "Class C25"). In summary, the available evidence is currently insufficient to determine the role of this variant in disease. Therefore, it has been classified as a Variant of Uncertain Significance.

NM_000124.4(ERCC6):c.448A>G (p.Ile150Val)

Gene: ERCC6 (ERCC excision repair 6, chromatin remodeling factor; minus strand). Cytogenetic location: 10q11.23.
Variant type: single nucleotide variant.
Coding change: c.448A>G on transcript NM_000124.4 (MANE Select); coding-DNA position 448, A replaced by G.
Protein change: p.Ile150Val; replaces isoleucine 150 with valine.
Molecular consequence: missense variant.
Genome position (GRCh38, 1-based): chr10:49,530,815, T>C on the plus strand (A>G on the coding strand, the complement: ERCC6 is on the minus strand). VCF-style: chr10-49530815-T-C. GRCh37 (hg19) VCF-style: chr10-50738861-T-C.
Other names: c.448A>G, p.Ile150Val (NM_001277058.2, NM_001277059.2, NM_001346440.2); short protein forms I150V.
Identifiers: ClinVar variation 2045440 (VCV002045440.4), dbSNP rs1837452211, ClinGen allele CA376710633.